The following is an entry in ClinVar:

ClinVar aggregate classification (germline): Uncertain significance (1 of 4 stars; one submission).

Conditions:
Hereditary cancer-predisposing syndrome. Also called: Neoplastic Syndromes, Hereditary; Tumor predisposition; Hereditary Cancer Syndrome; Hereditary neoplastic syndrome. Identifiers: Orphanet 140162, MedGen C0027672, MeSH D009386, MONDO:0015356.

Submission:

Color Diagnostics, LLC DBA Color Health
Classification: Uncertain significance for Hereditary cancer-predisposing syndrome. Last evaluated: 2023-05-31. Review status: criteria provided, single submitter. Criteria: ACMG Guidelines, 2015. Collection method: clinical testing. Allele origin: germline.
Comment: This missense variant replaces isoleucine with asparagine at codon 1034 of the BRCA2 protein. Computational prediction is inconclusive regarding the impact of this variant on protein structure and function (internally defined REVEL score threshold 0.5 < inconclusive < 0.7, PMID: 27666373). To our knowledge, functional studies have not been reported for this variant. This variant has not been reported in individuals affected with BRCA2-related disorders in the literature. This variant has not been identified in the general population by the Genome Aggregation Database (gnomAD). The available evidence is insufficient to determine the role of this variant in disease conclusively. Therefore, this variant is classified as a Variant of Uncertain Significance.

NM_000059.4(BRCA2):c.3101T>A (p.Ile1034Asn)

Gene: BRCA2 (BRCA2 DNA repair associated; plus strand). Cytogenetic location: 13q13.1.
Variant type: single nucleotide variant.
Coding change: c.3101T>A on transcript NM_000059.4 (MANE Select); coding-DNA position 3101, T replaced by A.
Protein change: p.Ile1034Asn; replaces isoleucine 1034 with asparagine.
Molecular consequence: missense variant. On other transcripts: non-coding transcript variant (1), intron variant (2).
Genome position (GRCh38, 1-based): chr13:32,337,456, T>A. VCF-style: chr13-32337456-T-A. GRCh37 (hg19) VCF-style: chr13-32911593-T-A.
Other names: c.3101T>A, p.Ile1034Asn (NM_001406719.1, NM_001406720.1); c.1909+4069T>A (NM_001406721.1); c.424+6426T>A (NM_001406722.1); short protein forms I1034N.
Identifiers: ClinVar variation 2774894 (VCV002774894.2), dbSNP rs545974734, ClinGen allele CA387775327.